The following is an entry in ClinVar:

ClinVar aggregate classification (germline): Uncertain significance (1 of 4 stars; one submission).

Conditions:
Charcot-Marie-Tooth disease axonal type 2O. Also called: CHARCOT-MARIE-TOOTH NEUROPATHY, AXONAL, TYPE 2O; CHARCOT-MARIE-TOOTH DISEASE, AXONAL, AUTOSOMAL DOMINANT, TYPE 2O; Charcot-Marie-Tooth Neuropathy Type 2O; Charcot-Marie-Tooth disease, axonal, type 20. Identifiers: Orphanet 284232, MedGen C3280220, MONDO:0013644, OMIM 614228.

Submission:

Labcorp Genetics (formerly Invitae), Labcorp
Classification: Uncertain significance for Charcot-Marie-Tooth disease axonal type 2O. Last evaluated: 2021-06-13. Review status: criteria provided, single submitter. Criteria: Invitae Variant Classification Sherloc (09022015). Collection method: clinical testing. Allele origin: germline.
Comment: This sequence change creates a premature translational stop signal (p.Arg4329Serfs*13) in the DYNC1H1 gene. It is expected to result in an absent or disrupted protein product. However, the current clinical and genetic evidence is not sufficient to establish whether loss-of-function variants in DYNC1H1 cause disease. In summary, the available evidence is currently insufficient to determine the role of this variant in disease. Therefore, it has been classified as a Variant of Uncertain Significance. This variant has not been reported in the literature in individuals with DYNC1H1-related conditions. This variant is not present in population databases (ExAC no frequency).

NM_001376.5(DYNC1H1):c.12987_12988del (p.Arg4329fs)

Gene: DYNC1H1 (dynein cytoplasmic 1 heavy chain 1; plus strand). Cytogenetic location: 14q32.31.
Variant type: Microsatellite.
Coding change: c.12987_12988del on transcript NM_001376.5 (MANE Select); coding-DNA positions 12987 to 12988, 2 bases deleted (AG; older notation c.12987_12988delAG).
Protein change: p.Arg4329fs; shifts the reading frame from arginine 4329.
Molecular consequence: frameshift variant.
Genome position (GRCh38, 1-based): chr14:102,044,679-102,044,680, AG deleted; deleting any 2 consecutive bases within chr14:102,044,674-102,044,680 gives the same sequence; the c. name uses the placement nearest the transcript's 3' end. VCF-style (leftmost placement, unchanged base first): chr14-102044673-CGA-C. GRCh37 (hg19) VCF-style: chr14-102511010-CGA-C.
Other names: short protein forms R4329fs.
Identifiers: ClinVar variation 1466274 (VCV001466274.6), dbSNP rs929395563, ClinGen allele CA266981530.